The following is an entry in ClinVar:

ClinVar aggregate classification (germline): Likely benign. Review status: criteria provided, multiple submitters, no conflicts (2 of 4 stars). 2 submissions from 2 submitters: Likely benign (2). Last evaluated 2024-09-20.

Conditions:
Hereditary diffuse gastric adenocarcinoma (HDGC). Also called: DIFFUSE GASTRIC AND LOBULAR BREAST CANCER SYNDROME. Identifiers: Orphanet 26106, MedGen C1708349, MONDO:0007648, OMIM 137215.

Submissions (2):

Myriad Genetics, Inc.
Classification: Likely benign for Hereditary diffuse gastric adenocarcinoma. Last evaluated: 2024-09-20. Review status: criteria provided, single submitter. Criteria: Myriad Autosomal Dominant, Autosomal Recessive and X-Linked Classification Criteria (2023). Collection method: clinical testing. Allele origin: unknown.
Comment: This variant is considered likely benign. This variant is intronic and is not expected to impact mRNA splicing.

Labcorp Genetics (formerly Invitae), Labcorp
Classification: Likely benign for Hereditary diffuse gastric adenocarcinoma. Last evaluated: 2020-12-23. Review status: criteria provided, single submitter. Criteria: Invitae Variant Classification Sherloc (09022015). Collection method: clinical testing. Allele origin: germline.

NM_004360.5(CDH1):c.2165-6T>C

Gene: CDH1 (cadherin 1; plus strand). Cytogenetic location: 16q22.1.
Variant type: single nucleotide variant.
Coding change: c.2165-6T>C on transcript NM_004360.5 (MANE Select); 6 bases into the intron before coding-DNA position 2165, T replaced by C.
Molecular consequence: intron variant.
Genome position (GRCh38, 1-based): chr16:68,828,168, T>C. VCF-style: chr16-68828168-T-C. GRCh37 (hg19) VCF-style: chr16-68862071-T-C.
Other names: c.617-6T>C (NM_001317185.2); c.200-6T>C (NM_001317186.2); c.1982-6T>C (NM_001317184.2).
Identifiers: ClinVar variation 1665194 (VCV001665194.9), dbSNP rs2152141358, ClinGen allele CA2573152652.